The following is an entry in ClinVar:

ClinVar aggregate classification (germline): Uncertain significance. Review status: criteria provided, multiple submitters, no conflicts (2 of 4 stars). 2 submissions from 2 submitters: Uncertain significance (2). Last evaluated 2025-11-10.

Conditions:
Colorectal cancer, hereditary nonpolyposis, type 7. Identifiers: Orphanet 144, MedGen C1858380, MONDO:0013725, OMIM 614385.

Allele frequency attached by ClinVar (database versions not stated): ExAC 0.00001; gnomAD exomes 0.00001.
gnomAD v4.1: 3 of 1,614,184 alleles (0.00019%); highest among the groups gnomAD compares: South Asian, 0.0033%; no homozygotes.

Submissions (2):

Ambry Genetics
Classification: Uncertain significance. Last evaluated: 2025-11-10. Review status: criteria provided, single submitter. Criteria: Ambry Variant Classification Scheme 2023. Collection method: clinical testing. Allele origin: germline.
Comment: The p.C208R variant (also known as c.622T>C), located in coding exon 1 of the MLH3 gene, results from a T to C substitution at nucleotide position 622. The cysteine at codon 208 is replaced by arginine, an amino acid with highly dissimilar properties. This amino acid position is conserved. In addition, this alteration is predicted to be tolerated by in silico analysis. Based on the available evidence, the clinical significance of this variant remains unclear.

Labcorp Genetics (formerly Invitae), Labcorp
Classification: Uncertain significance for Colorectal cancer, hereditary nonpolyposis, type 7. Last evaluated: 2018-01-03. Review status: criteria provided, single submitter. Criteria: Invitae Variant Classification Sherloc (09022015). Collection method: clinical testing. Allele origin: germline.
Comment: In summary, the available evidence is currently insufficient to determine the role of this variant in disease. Therefore, it has been classified as a Variant of Uncertain Significance. Algorithms developed to predict the effect of missense changes on protein structure and function output the following: SIFT: "Tolerated"; PolyPhen-2: "Benign"; Align-GVGD: "Class C0". The arginine amino acid residue is found in multiple mammalian species, suggesting that this missense change does not adversely affect protein function. These predictions have not been confirmed by published functional studies and their clinical significance is uncertain. This variant has not been reported in the literature in individuals with MLH3-related disease. This variant is present in population databases (rs770150549, ExAC 0.006%). This sequence change replaces cysteine with arginine at codon 208 of the MLH3 protein (p.Cys208Arg). The cysteine residue is moderately conserved and there is a large physicochemical difference between cysteine and arginine.

NM_001040108.2(MLH3):c.622T>C (p.Cys208Arg)

Gene: MLH3 (mutL homolog 3; minus strand). Cytogenetic location: 14q24.3.
Variant type: single nucleotide variant.
Coding change: c.622T>C on transcript NM_001040108.2 (MANE Select); coding-DNA position 622, T replaced by C.
Protein change: p.Cys208Arg; replaces cysteine 208 with arginine.
Molecular consequence: missense variant.
Genome position (GRCh38, 1-based): chr14:75,049,034, A>G on the plus strand (T>C on the coding strand, the complement: MLH3 is on the minus strand). VCF-style: chr14-75049034-A-G. GRCh37 (hg19) VCF-style: chr14-75515737-A-G.
Other names: c.622T>C (NM_001040108.1); c.622T>C, p.Cys208Arg (NM_014381.3); short protein forms C208R.
Identifiers: ClinVar variation 1015067 (VCV001015067.10), dbSNP rs770150549, ClinGen allele CA7275996.
Genomic context (GRCh38, chr14:75,049,034, plus strand): 5'-AACTTATTTCTCTTAGCTTTTGGGACTTTCCCAATCCATAAATTTGACAAAATCGGGAAC[A>G]TACGTCTTTGGTTTTAGGGAGCTGAAGAACCATGGAACCAGAAACATCATTTCTCAAAGA-3'
Protein context (NP_001035197.1, residues 198-218): VLQLPKTKDV[Cys208Arg]SRFCQIYGLG